The following is an entry in ClinVar:

ClinVar aggregate classification (germline): Benign/Likely benign. Review status: criteria provided, multiple submitters, no conflicts (2 of 4 stars). 6 submissions from 6 submitters: Benign (1); Likely benign (3). 2 of the submissions do not count toward it. Last evaluated 2026-10-01.

Conditions:
ELOVL5-related disorder. Also called: ELOVL5-related condition.
Spinocerebellar ataxia type 38. Identifiers: Orphanet 423296, MedGen C4518337, MONDO:0014417, OMIM 615957.

Allele frequency attached by ClinVar (database versions not stated): 1000 Genomes Project 0.00339; ExAC 0.00436; 1000 Genomes Project 30x 0.00453; gnomAD exomes 0.00635 and 0.01143; gnomAD 0.00674 and 0.00704; TOPMed 0.00720.
gnomAD v4.1: 16,798 of 1,535,682 alleles (1.1%); highest among the groups gnomAD compares: Non-Finnish European, 1.3%; 115 homozygotes.

Submissions (6):

CeGaT Center for Human Genetics Tuebingen
Classification: Benign. Last evaluated: 2026-10-01. Review status: criteria provided, single submitter. Criteria: CeGaT Center For Human Genetics Tuebingen Variant Classification Criteria Version 2. Collection method: clinical testing. Allele origin: germline. Affected: yes. Observed: 30 variant alleles.
Comment: ELOVL5: BS1, BS2

Genomic Medicine Center of Excellence, King Faisal Specialist Hospital and Research Centre
Classification: Likely benign. Last evaluated: 2025-08-18. Review status: criteria provided, single submitter. Criteria: ACMG Guidelines, 2015. Collection method: clinical testing. Allele origin: germline.

GeneDx
Classification: Likely benign. Last evaluated: 2021-05-15. Review status: criteria provided, single submitter. Criteria: GeneDx Variant Classification Process June 2021. Collection method: clinical testing. Allele origin: germline. Affected: yes.

Breakthrough Genomics
Classification: Likely benign. Review status: criteria provided, single submitter. Criteria: ACMG Guidelines, 2015. Collection method: not provided. Allele origin: germline. Inheritance: Autosomal dominant inheritance. Affected: yes.

PreventionGenetics, part of Exact Sciences
Classification: Benign for ELOVL5-related condition. Last evaluated: 2024-05-16. Review status: no assertion criteria provided. Collection method: clinical testing. Allele origin: germline. Not counted in ClinVar's aggregate classification.
Comment: This variant is classified as benign based on ACMG/AMP sequence variant interpretation guidelines (Richards et al. 2015 PMID: 25741868, with internal and published modifications).

GeneReviews
No classification provided. Condition: Spinocerebellar ataxia type 38. Review status: no classification provided. Collection method: literature only. Allele origin: germline. Not counted in ClinVar's aggregate classification.

Literature cited by the submitters: NCBI Bookshelf NBK543515 (cited by GeneReviews); PubMed 31294938 (cited by GeneReviews).

NM_021814.5(ELOVL5):c.246+3891C>T

Gene: ELOVL5 (ELOVL fatty acid elongase 5; minus strand). Cytogenetic location: 6p12.1.
Variant type: single nucleotide variant.
Coding change: c.246+3891C>T on transcript NM_021814.5 (MANE Select); 3891 bases into the intron after coding-DNA position 246, C replaced by T.
Molecular consequence: intron variant. On other transcripts: nonsense (1).
Genome position (GRCh38, 1-based): chr6:53,287,885, G>A on the plus strand (C>T on the coding strand, the complement: ELOVL5 is on the minus strand). VCF-style: chr6-53287885-G-A. GRCh37 (hg19) VCF-style: chr6-53152683-G-A.
Other names: c.304C>T, p.Gln102Ter (NM_001242828.2); c.246+3891C>T (NM_001242830.2, NM_001301856.2); short protein forms Q102*.
Identifiers: ClinVar variation 691282 (VCV000691282.39), dbSNP rs150583340, ClinGen allele CA3859789.
Genomic context (GRCh38, chr6:53,287,885, plus strand): 5'-GGGGAATTCAAAGCCATGTGCACTGCACAACACTGACCCTGTTTTCTGGCAGCTGCTGCT[G>A]AGTCGAAGGATCAGTTCGTGAGGCACAGGCAGATCGACGGGGTTGCTCCCTTTTGGACTG-3'